The following is an entry in ClinVar:

NM_001372044.2(SHANK3):c.2769C>G (p.Tyr923Ter)

Gene: SHANK3 (SH3 and multiple ankyrin repeat domains 3; plus strand). Cytogenetic location: 22q13.33.
Variant type: single nucleotide variant.
Coding change: c.2769C>G on transcript NM_001372044.2 (MANE Select); coding-DNA position 2769, C replaced by G.
Protein change: p.Tyr923Ter; replaces tyrosine 923 with a stop codon.
Molecular consequence: nonsense.
Genome position (GRCh38, 1-based): chr22:50,720,377, C>G. VCF-style: chr22-50720377-C-G. GRCh37 (hg19) VCF-style: chr22-51158805-C-G.
Other names: c.2544C>G, p.Tyr848Ter (NM_033517.1); short protein forms Y848*, Y923*.
Identifiers: ClinVar variation 620504 (VCV000620504.1), dbSNP rs1191090323, ClinGen allele CA515259092.

ClinVar aggregate classification (germline): Pathogenic (1 of 4 stars; one submission).

Submission:

GeneDx
Classification: Pathogenic. Last evaluated: 2018-12-12. Review status: criteria provided, single submitter. Criteria: GeneDx Variant Classification (06012015). Collection method: clinical testing. Allele origin: germline. Affected: yes.
Comment: The Y848X nonsense variant in the SHANK3 gene is predicted to cause loss of normal protein function either through protein truncation or nonsense-mediated mRNA decay. The Y848X variant is not observed in large population cohorts (Lek et al., 2016).